The following is an entry in ClinVar:

NM_020894.4(UVSSA):c.1394G>A (p.Arg465Gln)

Gene: UVSSA (UV stimulated scaffold protein A; plus strand). Cytogenetic location: 4p16.3.
Variant type: single nucleotide variant.
Coding change: c.1394G>A on transcript NM_020894.4 (MANE Select); coding-DNA position 1394, G replaced by A.
Protein change: p.Arg465Gln; replaces arginine 465 with glutamine.
Molecular consequence: missense variant.
Genome position (GRCh38, 1-based): chr4:1,375,469, G>A. VCF-style: chr4-1375469-G-A. GRCh37 (hg19) VCF-style: chr4-1369257-G-A.
Other names: c.1394G>A, p.Arg465Gln (NM_001317934.2, NM_001317935.2); short protein forms R465Q.
Identifiers: ClinVar variation 3053320 (VCV003053320.2), dbSNP rs200830830, ClinGen allele CA2806107.
Genomic context (GRCh38, chr4:1,375,469, plus strand): 5'-GGACGAGGACGAGGATGGACGAGGAGGTGTCGGACCCCACCTCTGCGGCTGCTCAGCTGC[G>A]GCAGCTCCGGGACCACTTGCCTCCACCCTCATCTGCCAGGTGACTCCCAGTGTCCTGTGT-3'
Protein context (NP_065945.2, residues 455-475): SDPTSAAAQL[Arg465Gln]QLRDHLPPPS

ClinVar aggregate classification (germline): Likely benign (0 of 4 stars; one submission).

Conditions:
UVSSA-related disorder. Also called: UVSSA-related condition.

Allele frequency attached by ClinVar (database versions not stated): gnomAD exomes 0.00014; ExAC 0.00053; gnomAD 0.00145; 1000 Genomes Project 30x 0.00156; TOPMed 0.00157; 1000 Genomes Project 0.00160.
gnomAD v4.1: 445 of 1,612,282 alleles (0.028%); highest among the groups gnomAD compares: African/African-American, 0.45%; 2 homozygotes.

Submission:

PreventionGenetics, part of Exact Sciences
Classification: Likely benign for UVSSA-related condition. Last evaluated: 2023-02-26. Review status: no assertion criteria provided. Collection method: clinical testing. Allele origin: germline.
Comment: This variant is classified as likely benign based on ACMG/AMP sequence variant interpretation guidelines (Richards et al. 2015 PMID: 25741868, with internal and published modifications).